The following is an entry in ClinVar:

ClinVar aggregate classification (germline): Benign/Likely benign. Review status: criteria provided, multiple submitters, no conflicts (2 of 4 stars). 4 submissions from 4 submitters: Benign (1); Likely benign (2). 1 of the submissions does not count toward it. Last evaluated 2024-04-03.

Conditions:
Familial adenomatous polyposis 1 (FAP1). Also called: FAMILIAL ADENOMATOUS POLYPOSIS 1, ATTENUATED; POLYPOSIS, ADENOMATOUS INTESTINAL. Identifiers: MedGen C2713442, MONDO:0021056, OMIM 175100. Disease mechanism: loss of function.
Hereditary cancer-predisposing syndrome. Also called: Hereditary neoplastic syndrome; Tumor predisposition; Neoplastic Syndromes, Hereditary; Hereditary Cancer Syndrome. Identifiers: Orphanet 140162, MedGen C0027672, MeSH D009386, MONDO:0015356.
Carcinoma of colon (CRC). Also called: Colon carcinoma; Colonic carcinoma. Identifiers: MedGen C0699790, MONDO:0002032.

Allele frequency attached by ClinVar (database versions not stated): gnomAD exomes below 0.00001; gnomAD 0.00001.
gnomAD v4.1: 2 of 1,613,206 alleles (0.00012%); highest among the groups gnomAD compares: African/African-American, 0.0027%; no homozygotes.

Submissions (4):

Myriad Genetics, Inc.
Classification: Benign for Familial adenomatous polyposis 1. Last evaluated: 2024-04-03. Review status: criteria provided, single submitter. Criteria: Myriad Autosomal Dominant, Autosomal Recessive and X-Linked Classification Criteria (2023). Collection method: clinical testing. Allele origin: unknown.
Comment: This variant is considered benign. This variant is a silent/synonymous amino acid change and it is not expected to impact splicing.

Labcorp Genetics (formerly Invitae), Labcorp
Classification: Likely benign for Familial adenomatous polyposis 1. Last evaluated: 2023-08-30. Review status: criteria provided, single submitter. Criteria: Invitae Variant Classification Sherloc (09022015). Collection method: clinical testing. Allele origin: germline.

Color Diagnostics, LLC DBA Color Health
Classification: Likely benign for Hereditary cancer-predisposing syndrome. Last evaluated: 2018-03-16. Review status: criteria provided, single submitter. Criteria: ACMG Guidelines, 2015. Collection method: clinical testing. Allele origin: germline.

Department of Pathology and Laboratory Medicine, Sinai Health System
Classification: Likely benign for Carcinoma of colon. Review status: no assertion criteria provided. Collection method: clinical testing. Allele origin: unknown. Affected: yes. Study: The Canadian Open Genetics Repository (COGR). Not counted in ClinVar's aggregate classification.
Comment: The APC p.Ser1967= variant was not identified in the literature nor was it identified in the dbSNP, LOVD 3.0 or UMD-LSDB databases. The variant was identified in ClinVar (classified as likely benign by Color). The variant was not identified in the following control databases: the Exome Aggregation Consortium (August 8th 2016) or the Genome Aggregation Database (Feb 27, 2017). The p.Ser1967= variant is not expected to have clinical significance because it does not result in a change of amino acid and is not located in a known consensus splice site. The variant occurs at a non-highly conserved nucleotide outside of the splicing consensus sequence and in silico or computational prediction software programs (SpliceSiteFinder, MaxEntScan, NNSPLICE, GeneSplicer) do not predict a difference in splicing. In summary, based on the above information, the clinical significance of this variant cannot be determined with certainty at this time although we would lean towards a more benign role for this variant. This variant is classified as likely benign.

NM_000038.6(APC):c.5901C>T (p.Ser1967=)

Gene: APC (APC regulator of Wnt signaling pathway; plus strand). Cytogenetic location: 5q22.2.
Variant type: single nucleotide variant.
Coding change: c.5901C>T on transcript NM_000038.6 (MANE Select); coding-DNA position 5901, C replaced by T.
Protein change: p.Ser1967=; no amino-acid change (serine 1967 retained).
Molecular consequence: synonymous variant.
Genome position (GRCh38, 1-based): chr5:112,841,495, C>T. VCF-style: chr5-112841495-C-T. GRCh37 (hg19) VCF-style: chr5-112177192-C-T.
Other names: c.5901C>T, p.Ser1967= (NM_001127510.3, NM_001354895.2); c.5847C>T, p.Ser1949= (NM_001127511.3); c.5955C>T, p.Ser1985= (NM_001354896.2); c.5931C>T, p.Ser1977= (NM_001354897.2); c.5826C>T, p.Ser1942= (NM_001354898.2); c.5817C>T, p.Ser1939= (NM_001354899.2); c.5778C>T, p.Ser1926= (NM_001354900.2); c.5724C>T, p.Ser1908= (NM_001354901.2); and 5 more.
Identifiers: ClinVar variation 627980 (VCV000627980.9), dbSNP rs1561603572, ClinGen allele CA446209930.